The following is an entry in ClinVar:

NM_002863.5(PYGL):c.749C>T (p.Pro250Leu)

Gene: PYGL (glycogen phosphorylase L; minus strand). Cytogenetic location: 14q22.1.
Variant type: single nucleotide variant.
Coding change: c.749C>T on transcript NM_002863.5 (MANE Select); coding-DNA position 749, C replaced by T.
Protein change: p.Pro250Leu; replaces proline 250 with leucine.
Molecular consequence: missense variant.
Genome position (GRCh38, 1-based): chr14:50,920,979, G>A on the plus strand (C>T on the coding strand, the complement: PYGL is on the minus strand). VCF-style: chr14-50920979-G-A. GRCh37 (hg19) VCF-style: chr14-51387697-G-A.
Other names: c.647C>T, p.Pro216Leu (NM_001163940.2); short protein forms P216L, P250L.
Identifiers: ClinVar variation 1029652 (VCV001029652.7), dbSNP rs1472614445, ClinGen allele CA389691626.

ClinVar aggregate classification (germline): Uncertain significance. Review status: criteria provided, multiple submitters, no conflicts (2 of 4 stars). 4 submissions from 4 submitters: Uncertain significance (4). Last evaluated 2024-08-01.

Conditions:
Inborn genetic diseases. Identifiers: MedGen C0950123, MeSH D030342.
Glycogen storage disease, type VI (GSD6). Also called: Glycogen storage disease type 6; Hepatic glycogen phosphorylase deficiency; Glycogen storage disease type 6, due to phosphorylation; GSD VI; HERS DISEASE; PHOSPHORYLASE DEFICIENCY GLYCOGEN-STORAGE DISEASE OF LIVER. Identifiers: Orphanet 369, MedGen C0017925, MONDO:0009294, OMIM 232700.

Allele frequency attached by ClinVar (database versions not stated): gnomAD exomes below 0.00001; TOPMed below 0.00001.

Submissions (4):

Ambry Genetics
Classification: Uncertain significance for Inborn genetic diseases. Last evaluated: 2024-08-01. Review status: criteria provided, single submitter. Criteria: Ambry Variant Classification Scheme 2023. Collection method: clinical testing. Allele origin: germline.

Greenwood Genetic Center Diagnostic Laboratories, Greenwood Genetic Center
Classification: Uncertain significance. Last evaluated: 2023-03-10. Review status: criteria provided, single submitter. Criteria: ACMG Guidelines, 2015. Collection method: clinical testing. Allele origin: germline. Affected: yes.
Comment: PM2, PP3

Labcorp Genetics (formerly Invitae), Labcorp
Classification: Uncertain significance for Glycogen storage disease, type VI. Last evaluated: 2022-07-08. Review status: criteria provided, single submitter. Criteria: Invitae Variant Classification Sherloc (09022015). Collection method: clinical testing. Allele origin: germline.
Comment: This variant is not present in population databases (gnomAD no frequency). This sequence change replaces proline, which is neutral and non-polar, with leucine, which is neutral and non-polar, at codon 250 of the PYGL protein (p.Pro250Leu). This variant has not been reported in the literature in individuals affected with PYGL-related conditions. ClinVar contains an entry for this variant (Variation ID: 1029652). Algorithms developed to predict the effect of missense changes on protein structure and function are either unavailable or do not agree on the potential impact of this missense change (SIFT: "Deleterious"; PolyPhen-2: "Probably Damaging"; Align-GVGD: "Class C0"). In summary, the available evidence is currently insufficient to determine the role of this variant in disease. Therefore, it has been classified as a Variant of Uncertain Significance.

Baylor Genetics
Classification: Uncertain significance for Glycogen storage disease, type VI. Last evaluated: 2019-02-22. Review status: criteria provided, single submitter. Criteria: ACMG Guidelines, 2015. Collection method: clinical testing. Allele origin: unknown. Affected: yes.
Comment: This variant was determined to be of uncertain significance according to ACMG Guidelines, 2015 [PMID:25741868].